The following is an entry in ClinVar:

ClinVar aggregate classification (germline): Benign/Likely benign. Review status: criteria provided, multiple submitters, no conflicts (2 of 4 stars). 4 submissions from 4 submitters: Benign (1); Likely benign (2). 1 of the submissions does not count toward it. Last evaluated 2026-01-19.

Conditions:
CACNA2D1-related disorder. Also called: CACNA2D1-related condition.
Brugada syndrome. Also called: Sudden unexplained nocturnal death syndrome; Sudden unexpected nocturnal death syndrome; Sudden Unexplained Death Syndrome; Sudden Unexplained Nocturnal Death Syndrome (SUNDS). Identifiers: Orphanet 130, MedGen C1142166, MONDO:0015263.
Cardiovascular phenotype. Identifiers: MedGen CN230736.

Allele frequency attached by ClinVar (database versions not stated): TOPMed 0.00019; ESP Exome Variant Server 0.00023; gnomAD exomes 0.00043 and 0.00052; ExAC 0.00049; gnomAD 0.00049 and 0.00053.
gnomAD v4.1: 706 of 1,613,902 alleles (0.044%); highest among the groups gnomAD compares: Non-Finnish European, 0.036%; 2 homozygotes.

Submissions (4):

Labcorp Genetics (formerly Invitae), Labcorp
Classification: Benign for Brugada syndrome. Last evaluated: 2026-01-19. Review status: criteria provided, single submitter. Criteria: Invitae Variant Classification Sherloc (09022015). Collection method: clinical testing. Allele origin: germline.

GeneDx
Classification: Likely benign. Last evaluated: 2021-01-21. Review status: criteria provided, single submitter. Criteria: GeneDx Variant Classification Process June 2021. Collection method: clinical testing. Allele origin: germline. Affected: yes.

Ambry Genetics
Classification: Likely benign for Cardiovascular phenotype. Last evaluated: 2019-01-02. Review status: criteria provided, single submitter. Criteria: Ambry Variant Classification Scheme 2023. Collection method: clinical testing. Allele origin: germline.

PreventionGenetics, part of Exact Sciences
Classification: Likely benign for CACNA2D1-related condition. Last evaluated: 2019-03-27. Review status: no assertion criteria provided. Collection method: clinical testing. Allele origin: germline. Not counted in ClinVar's aggregate classification.
Comment: This variant is classified as likely benign based on ACMG/AMP sequence variant interpretation guidelines (Richards et al. 2015 PMID: 25741868, with internal and published modifications).

NM_000722.4(CACNA2D1):c.651T>C (p.Tyr217=)

Gene: CACNA2D1 (calcium voltage-gated channel auxiliary subunit alpha2delta 1; minus strand). Cytogenetic location: 7q21.11.
Variant type: single nucleotide variant.
Coding change: c.651T>C on transcript NM_000722.4 (MANE Select); coding-DNA position 651, T replaced by C.
Protein change: p.Tyr217=; no amino-acid change (tyrosine 217 retained).
Molecular consequence: synonymous variant.
Genome position (GRCh38, 1-based): chr7:82,084,776, A>G on the plus strand (T>C on the coding strand, the complement: CACNA2D1 is on the minus strand). VCF-style: chr7-82084776-A-G. GRCh37 (hg19) VCF-style: chr7-81714092-A-G.
Other names: c.651T>C (LRG_437t1); c.651T>C, p.Tyr217= (NM_001302890.2, NM_001366867.1).
Identifiers: ClinVar variation 416573 (VCV000416573.18), dbSNP rs146819424, ClinGen allele CA4318305.